The following is an entry in ClinVar:

ClinVar aggregate classification (germline): Conflicting classifications of pathogenicity. Review status: criteria provided, conflicting classifications (1 of 4 stars). 2 submissions from 2 submitters: Uncertain significance (1); Likely benign (1). Last evaluated 2022-05-17.

Conditions:
Hereditary cancer-predisposing syndrome. Also called: Tumor predisposition; Hereditary Cancer Syndrome; Hereditary neoplastic syndrome; Neoplastic Syndromes, Hereditary. Identifiers: Orphanet 140162, MedGen C0027672, MeSH D009386, MONDO:0015356.
POLD1-related polyposis and colorectal cancer syndrome (CRCS10). Also called: Colorectal cancer 10; COLORECTAL CANCER, SUSCEPTIBILITY TO, ON CHROMOSOME 19q; Colorectal cancer, susceptibility to, 10. Identifiers: Orphanet 220460, MedGen C2675481, MONDO:0012953, OMIM 612591.

Submissions (2):

Labcorp Genetics (formerly Invitae), Labcorp
Classification: Uncertain significance for POLD1-related polyposis and colorectal cancer syndrome. Last evaluated: 2022-05-17. Review status: criteria provided, single submitter. Criteria: Invitae Variant Classification Sherloc (09022015). Collection method: clinical testing. Allele origin: germline.
Comment: This variant has not been reported in the literature in individuals affected with POLD1-related conditions. ClinVar contains an entry for this variant (Variation ID: 484431). Algorithms developed to predict the effect of missense changes on protein structure and function output the following: SIFT: "Tolerated"; PolyPhen-2: "Benign"; Align-GVGD: "Class C0". The glutamic acid amino acid residue is found in multiple mammalian species, which suggests that this missense change does not adversely affect protein function. In summary, the available evidence is currently insufficient to determine the role of this variant in disease. Therefore, it has been classified as a Variant of Uncertain Significance. This sequence change replaces aspartic acid, which is acidic and polar, with glutamic acid, which is acidic and polar, at codon 376 of the POLD1 protein (p.Asp376Glu). This variant is not present in population databases (gnomAD no frequency).

Ambry Genetics
Classification: Likely benign for Hereditary cancer-predisposing syndrome. Last evaluated: 2019-03-17. Review status: criteria provided, single submitter. Criteria: Ambry Variant Classification Scheme 2023. Collection method: clinical testing. Allele origin: germline.

NM_002691.4(POLD1):c.1128C>A (p.Asp376Glu)

Gene: POLD1 (DNA polymerase delta 1, catalytic subunit; plus strand). Cytogenetic location: 19q13.33.
Variant type: single nucleotide variant.
Coding change: c.1128C>A on transcript NM_002691.4 (MANE Select); coding-DNA position 1128, C replaced by A.
Protein change: p.Asp376Glu; replaces aspartic acid 376 with glutamic acid.
Molecular consequence: missense variant. On other transcripts: non-coding transcript variant (1).
Genome position (GRCh38, 1-based): chr19:50,403,210, C>A. VCF-style: chr19-50403210-C-A. GRCh37 (hg19) VCF-style: chr19-50906467-C-A.
Other names: c.1128C>A, p.Asp376Glu (NM_001256849.1, NM_001308632.1); short protein forms D376E.
Identifiers: ClinVar variation 484431 (VCV000484431.14), dbSNP rs1555790466, ClinGen allele CA406978388.